The following is an entry in ClinVar:

NM_000293.3(PHKB):c.2459A>T (p.Glu820Val)

Gene: PHKB (phosphorylase kinase regulatory subunit beta; plus strand). Cytogenetic location: 16q12.1.
Variant type: single nucleotide variant.
Coding change: c.2459A>T on transcript NM_000293.3 (MANE Select); coding-DNA position 2459, A replaced by T.
Protein change: p.Glu820Val; replaces glutamic acid 820 with valine.
Molecular consequence: missense variant.
Genome position (GRCh38, 1-based): chr16:47,669,246, A>T. VCF-style: chr16-47669246-A-T. GRCh37 (hg19) VCF-style: chr16-47703157-A-T.
Other names: c.2438A>T, p.Glu813Val (NM_001031835.3); c.2459A>T, p.Glu820Val (NM_001363837.1); short protein forms E820V, E813V.
Identifiers: ClinVar variation 319357 (VCV000319357.23), dbSNP rs9934849, ClinGen allele CA8041259.

ClinVar aggregate classification (germline): Benign/Likely benign. Review status: criteria provided, multiple submitters, no conflicts (2 of 4 stars). 6 submissions from 6 submitters: Benign (3); Likely benign (2). 1 of the submissions does not count toward it. Last evaluated 2026-01-28.

Conditions:
Glycogen storage disease IXb (GSD9B). Also called: GLYCOGENOSIS OF LIVER AND MUSCLE, AUTOSOMAL RECESSIVE; GSD IXb; PHOSPHORYLASE KINASE DEFICIENCY OF LIVER AND MUSCLE, AUTOSOMAL RECESSIVE. Identifiers: Orphanet 79240, MedGen C0543514, MONDO:0009868, OMIM 261750.

Allele frequency attached by ClinVar (database versions not stated): ExAC 0.00158; gnomAD 0.00427 and 0.00453; TOPMed 0.00453; ESP Exome Variant Server 0.00546; 1000 Genomes Project 0.00599; 1000 Genomes Project 30x 0.00625.
gnomAD v4.1: 1,227 of 1,613,934 alleles (0.076%); highest among the groups gnomAD compares: African/African-American, 1.4%; 9 homozygotes.

Submissions (10):

Labcorp Genetics (formerly Invitae), Labcorp
Classification: Benign for Glycogen storage disease IXb. Last evaluated: 2026-01-28. Review status: criteria provided, single submitter. Criteria: Invitae Variant Classification Sherloc (09022015). Collection method: clinical testing. Allele origin: germline.

ARUP Laboratories, Molecular Genetics and Genomics, ARUP Laboratories
Classification: Benign for Glycogen storage disease IXb. Last evaluated: 2025-06-20. Review status: criteria provided, single submitter. Criteria: ARUP Molecular Germline Variant Investigation Process 2024. Collection method: clinical testing. Allele origin: germline.

Illumina Laboratory Services, Illumina
Classification: Benign for Glycogen storage disease IXb. Last evaluated: 2018-01-12. Review status: criteria provided, single submitter. Criteria: ICSL Variant Classification Criteria 13 December 2019. Collection method: clinical testing. Allele origin: germline.
Comment: This variant was observed in the ICSL laboratory as part of a predisposition screen in an ostensibly healthy population. It had not been previously curated by ICSL or reported in the Human Gene Mutation Database (HGMD: prior to June 1st, 2018), and was therefore a candidate for classification through an automated scoring system. Utilizing variant allele frequency, disease prevalence and penetrance estimates, and inheritance mode, an automated score was calculated to assess if this variant is too frequent to cause the disease. Based on the score and internal cut-off values, a variant classified as benign is not then subjected to further curation. The score for this variant resulted in a classification of benign for this disease.

GeneDx
Classification: Likely benign. Last evaluated: 2017-07-26. Review status: criteria provided, single submitter. Criteria: GeneDx Variant Classification (06012015). Collection method: clinical testing. Allele origin: germline. Affected: yes.
Comment: This variant is considered likely benign or benign based on one or more of the following criteria: it is a conservative change, it occurs at a poorly conserved position in the protein, it is predicted to be benign by multiple in silico algorithms, and/or has population frequency not consistent with disease.

Breakthrough Genomics
Classification: Likely benign. Review status: criteria provided, single submitter. Criteria: ACMG Guidelines, 2015. Collection method: not provided. Allele origin: germline. Inheritance: Autosomal recessive inheritance. Affected: yes.

Mayo Clinic Laboratories, Mayo Clinic
Classification: Likely benign. Last evaluated: 2017-12-13. Review status: no assertion criteria provided. Collection method: clinical testing. Allele origin: unknown. Not counted in ClinVar's aggregate classification.

Dr. Peter K. Rogan Lab, Western University
No classification provided (evidence only). Condition: Cervical cancer. Review status: no classification provided. Collection method: in vitro. Allele origin: not applicable. Functional consequence: retained intron. Not counted in ClinVar's aggregate classification.

Dr. Peter K. Rogan Lab, Western University
No classification provided (evidence only). Condition: Hepatocellular carcinoma. Review status: no classification provided. Collection method: in vitro. Allele origin: not applicable. Functional consequence: retained intron. Not counted in ClinVar's aggregate classification.

Dr. Peter K. Rogan Lab, Western University
No classification provided (evidence only). Condition: Nonpapillary renal cell carcinoma. Review status: no classification provided. Collection method: in vitro. Allele origin: not applicable. Functional consequence: retained intron. Not counted in ClinVar's aggregate classification.

Dr. Peter K. Rogan Lab, Western University
No classification provided (evidence only). Condition: Nonpapillary renal cell carcinoma. Review status: no classification provided. Collection method: in vitro. Allele origin: not applicable. Functional consequence: retained intron. Not counted in ClinVar's aggregate classification.